The following is an entry in ClinVar:

ClinVar aggregate classification (germline): Uncertain significance (1 of 4 stars; one submission).

Conditions:
Neuronal ceroid lipofuscinosis. Also called: Neuronal Ceroid Lipofuscinoses. Identifiers: Orphanet 216, Orphanet 79263, MedGen C0027877, MONDO:0016295. Disease mechanism: loss of function.

Allele frequency attached by ClinVar (database versions not stated): gnomAD 0.00001 and 0.00003.
gnomAD v4.1: 53 of 1,613,630 alleles (0.0033%); highest among the groups gnomAD compares: South Asian, 0.044%; no homozygotes.

Submission:

Labcorp Genetics (formerly Invitae), Labcorp
Classification: Uncertain significance for Neuronal ceroid lipofuscinosis. Last evaluated: 2021-09-01. Review status: criteria provided, single submitter. Criteria: Invitae Variant Classification Sherloc (09022015). Collection method: clinical testing. Allele origin: germline.
Comment: This sequence change replaces lysine with arginine at codon 173 of the CTSD protein (p.Lys173Arg). The lysine residue is moderately conserved and there is a small physicochemical difference between lysine and arginine. This variant is present in population databases (rs746140722, ExAC 0.04%). This variant has not been reported in the literature in individuals affected with CTSD-related conditions. Algorithms developed to predict the effect of missense changes on protein structure and function output the following: SIFT: "Tolerated"; PolyPhen-2: "Benign"; Align-GVGD: "Class C0". The arginine amino acid residue is found in multiple mammalian species, which suggests that this missense change does not adversely affect protein function. Algorithms developed to predict the effect of sequence changes on RNA splicing suggest that this variant may create or strengthen a splice site. In summary, the available evidence is currently insufficient to determine the role of this variant in disease. Therefore, it has been classified as a Variant of Uncertain Significance.

NM_001909.5(CTSD):c.518A>G (p.Lys173Arg)

Gene: CTSD (cathepsin D; minus strand). Cytogenetic location: 11p15.5.
Variant type: single nucleotide variant.
Coding change: c.518A>G on transcript NM_001909.5 (MANE Select); coding-DNA position 518, A replaced by G.
Protein change: p.Lys173Arg; replaces lysine 173 with arginine.
Molecular consequence: missense variant.
Genome position (GRCh38, 1-based): chr11:1,757,510, T>C on the plus strand (A>G on the coding strand, the complement: CTSD is on the minus strand). VCF-style: chr11-1757510-T-C. GRCh37 (hg19) VCF-style: chr11-1778740-T-C.
Other names: short protein forms K173R.
Identifiers: ClinVar variation 1056806 (VCV001056806.6), dbSNP rs746140722, ClinGen allele CA5814146.
Genomic context (GRCh38, chr11:1,757,510, plus strand): 5'-GCTGCGATGAAGGTGATGCCTGGCTGCTTGGTGGCCTCCCCAAAGACCTGCCTCTCCACT[T>C]TGACACCGCCCAGGGCAGAGGCTGACGACGCTGACTGGCAGGGCACCTGCAGGCCAGGGC-3'
Protein context (NP_001900.1, residues 163-183): ASSASALGGV[Lys173Arg]VERQVFGEAT